The following is an entry in ClinVar:

ClinVar aggregate classification (germline): Likely benign. Review status: criteria provided, multiple submitters, no conflicts (2 of 4 stars). 4 submissions from 4 submitters: Likely benign (4). Last evaluated 2026-02-24.

Conditions:
Familial hypercholesterolemia. Also called: Familial hypercholesterolemias; Familial hypercholesterolaemia. Identifiers: MedGen C0020445, MONDO:0005439.
Cardiovascular phenotype. Identifiers: MedGen CN230736.
Familial hypobetalipoproteinemia 1. Also called: APOB-Related Familial Hypobetalipoproteinemia; Hypobetalipoproteinemia, normotriglyceridemic; Acanthocytosis with hypobetalipoproteinemia. Identifiers: MedGen C4551990, MONDO:0014252, OMIM 615558.
Hypercholesterolemia, autosomal dominant, type B (FHCL2). Also called: HYPERCHOLESTEROLEMIA, FAMILIAL, DUE TO LIGAND-DEFECTIVE APOLIPOPROTEIN B; Familial Hypercholesterolemia Type B; Hyperlipoproteinemia Type IIb; APOB-Related Familial Hypercholesterolemia, Autosomal Dominant; Familial hypercholesterolemia 2; APOLIPOPROTEIN B-100, FAMILIAL DEFECTIVE. Identifiers: MedGen C1704417, MONDO:0007751, OMIM 144010.

Allele frequency attached by ClinVar (database versions not stated): gnomAD 0.00002; TOPMed 0.00003; ExAC 0.00004; gnomAD exomes 0.00004.
gnomAD v4.1: 56 of 1,613,978 alleles (0.0035%); highest among the groups gnomAD compares: Middle Eastern, 0.033%; no homozygotes.

Submissions (4):

GENinCode PLC
Classification: Likely benign for Familial hypercholesterolemia. Last evaluated: 2026-02-24. Review status: criteria provided, single submitter. Criteria: ACMG Guidelines, 2015. Collection method: clinical testing. Allele origin: germline.
Comment: This is a synonymous (silent) variant that is not predicted to impact splicing and occurs at a nucleotide which is not highly conserved. This variant has been classified as Likely Benign (BP4, BP7).

Labcorp Genetics (formerly Invitae), Labcorp
Classification: Likely benign for Familial hypobetalipoproteinemia 1; Hypercholesterolemia, autosomal dominant, type B. Last evaluated: 2025-11-08. Review status: criteria provided, single submitter. Criteria: Invitae Variant Classification Sherloc (09022015). Collection method: clinical testing. Allele origin: germline.

Ambry Genetics
Classification: Likely benign for Cardiovascular phenotype. Last evaluated: 2022-12-01. Review status: criteria provided, single submitter. Criteria: Ambry Variant Classification Scheme 2023. Collection method: clinical testing. Allele origin: germline.

Breakthrough Genomics
Classification: Likely benign. Review status: criteria provided, single submitter. Criteria: ACMG Guidelines, 2015. Collection method: not provided. Allele origin: germline. Inheritance: Autosomal recessive inheritance. Affected: yes.

NM_000384.3(APOB):c.7587G>A (p.Gln2529=)

Gene: APOB (apolipoprotein B; minus strand). Cytogenetic location: 2p24.1.
Variant type: single nucleotide variant.
Coding change: c.7587G>A on transcript NM_000384.3 (MANE Select); coding-DNA position 7587, G replaced by A.
Protein change: p.Gln2529=; no amino-acid change (glutamine 2529 retained).
Molecular consequence: synonymous variant.
Genome position (GRCh38, 1-based): chr2:21,009,281, C>T on the plus strand (G>A on the coding strand, the complement: APOB is on the minus strand). VCF-style: chr2-21009281-C-T. GRCh37 (hg19) VCF-style: chr2-21232153-C-T.
Identifiers: ClinVar variation 544126 (VCV000544126.20), dbSNP rs752939907, ClinGen allele CA064556.